The following is an entry in ClinVar:

ClinVar aggregate classification (germline): Uncertain significance. Review status: criteria provided, multiple submitters, no conflicts (2 of 4 stars). 2 submissions from 2 submitters: Uncertain significance (2). Last evaluated 2025-05-08.

Conditions:
Cardiovascular phenotype. Identifiers: MedGen CN230736.

gnomAD v4.1: 4 of 1,537,372 alleles (0.00026%); highest among the groups gnomAD compares: Admixed American, 0.002%; no homozygotes.

Submissions (2):

Ambry Genetics
Classification: Uncertain significance for Cardiovascular phenotype. Last evaluated: 2025-05-08. Review status: criteria provided, single submitter. Criteria: Ambry Variant Classification Scheme 2023. Collection method: clinical testing. Allele origin: germline.
Comment: The p.G1120R variant (also known as c.3358G>C), located in coding exon 2 of the ZNF469 gene, results from a G to C substitution at nucleotide position 3358. The glycine at codon 1120 is replaced by arginine, an amino acid with dissimilar properties. This amino acid position is conserved. In addition, this alteration is predicted to be tolerated by in silico analysis. Since supporting evidence is limited at this time, the clinical significance of this alteration remains unclear.

GeneDx
Classification: Uncertain significance. Last evaluated: 2023-12-20. Review status: criteria provided, single submitter. Criteria: GeneDx Variant Classification Process June 2021. Collection method: clinical testing. Allele origin: germline. Affected: yes.
Comment: Not observed at significant frequency in large population cohorts (gnomAD); In silico analysis supports that this missense variant does not alter protein structure/function; Has not been previously published as pathogenic or benign to our knowledge

NM_001367624.2(ZNF469):c.3442G>C (p.Gly1148Arg)

Gene: ZNF469 (zinc finger protein 469; plus strand). Cytogenetic location: 16q24.2.
Variant type: single nucleotide variant.
Coding change: c.3442G>C on transcript NM_001367624.2 (MANE Select); coding-DNA position 3442, G replaced by C.
Protein change: p.Gly1148Arg; replaces glycine 1148 with arginine.
Molecular consequence: missense variant.
Genome position (GRCh38, 1-based): chr16:88,430,912, G>C. VCF-style: chr16-88430912-G-C. GRCh37 (hg19) VCF-style: chr16-88497320-G-C.
Other names: NM_001127464.1:c.3358G>C; short protein forms G1148R.
Identifiers: ClinVar variation 1730568 (VCV001730568.4), dbSNP rs1350329060, ClinGen allele CA397084323.